The following is an entry in ClinVar:

ClinVar aggregate classification (germline): Pathogenic (1 of 4 stars; one submission).

Conditions:
Neurofibromatosis, type 1 (NF1). Also called: Peripheral type neurofibromatosis; Neurofibromatosis, type I; VON RECKLINGHAUSEN DISEASE; NEUROFIBROMATOSIS, TYPE I, SOMATIC. Identifiers: Orphanet 636, MedGen C0027831, MONDO:0018975, OMIM 162200. Disease mechanism: loss of function.

Allele frequency attached by ClinVar (database versions not stated): gnomAD exomes below 0.00001.
gnomAD v4.1: 2 of 1,613,758 alleles (0.00012%); highest among the groups gnomAD compares: Non-Finnish European, 0.00017%; no homozygotes.

Submission:

Labcorp Genetics (formerly Invitae), Labcorp
Classification: Pathogenic for Neurofibromatosis, type 1. Last evaluated: 2023-08-17. Review status: criteria provided, single submitter. Criteria: Invitae Variant Classification Sherloc (09022015). Collection method: clinical testing. Allele origin: germline.
Comment: ClinVar contains an entry for this variant (Variation ID: 576239). Disruption of this splice site has been observed in individuals with neurofibromatosis type 1 (PMID: 10712197, 29483232; Invitae). This variant is not present in population databases (gnomAD no frequency). This sequence change affects a donor splice site in intron 33 of the NF1 gene. It is expected to disrupt RNA splicing. Variants that disrupt the donor or acceptor splice site typically lead to a loss of protein function (PMID: 16199547), and loss-of-function variants in NF1 are known to be pathogenic (PMID: 10712197, 23913538). Algorithms developed to predict the effect of sequence changes on RNA splicing suggest that this variant may disrupt the consensus splice site. For these reasons, this variant has been classified as Pathogenic.

Literature cited by the submitters: PubMed 10712197; PubMed 29483232; PubMed 16199547; PubMed 23913538.

NM_001042492.3(NF1):c.4577+1G>T

Gene: NF1 (neurofibromin 1; plus strand). Cytogenetic location: 17q11.2.
Variant type: single nucleotide variant.
Coding change: c.4577+1G>T on transcript NM_001042492.3 (MANE Select); the canonical splice donor site of the intron after coding-DNA position 4577, G replaced by T.
Molecular consequence: splice donor variant.
Genome position (GRCh38, 1-based): chr17:31,260,516, G>T. VCF-style: chr17-31260516-G-T. GRCh37 (hg19) VCF-style: chr17-29587534-G-T.
Other names: c.4514+1G>T (NM_000267.4).
Identifiers: ClinVar variation 576239 (VCV000576239.8), dbSNP rs1279529138, ClinGen allele CA398999992.